The following is an entry in ClinVar:

ClinVar aggregate classification (germline): Uncertain significance (1 of 4 stars; one submission).

Conditions:
VPS13B-related disorder. Also called: VPS13B-related condition.

Allele frequency attached by ClinVar (database versions not stated): TOPMed 0.00001; ExAC 0.00002; gnomAD 0.00002; gnomAD exomes 0.00003.
gnomAD v4.1: 40 of 1,613,754 alleles (0.0025%); highest among the groups gnomAD compares: South Asian, 0.019%; no homozygotes.

Submission:

PreventionGenetics, part of Exact Sciences
Classification: Uncertain significance for VPS13B-related condition. Last evaluated: 2025-10-03. Review status: criteria provided, single submitter. Criteria: ACMG Guidelines, 2015. Collection method: clinical testing. Allele origin: germline.
Comment: The VPS13B c.8474G>A variant is predicted to result in the amino acid substitution p.Arg2825Lys. To our knowledge, this variant has not been reported in the literature. This variant is present in 0.020% of alleles in individuals of South Asian descent in gnomAD. At this time, the clinical significance of this variant is uncertain due to the absence of conclusive functional and genetic evidence.

NM_152564.5(VPS13B):c.8474G>A (p.Arg2825Lys)

Gene: VPS13B (vacuolar protein sorting 13 homolog B; plus strand). Cytogenetic location: 8q22.2.
Variant type: single nucleotide variant.
Coding change: c.8474G>A on transcript NM_152564.5 (MANE Select); coding-DNA position 8474, G replaced by A.
Protein change: p.Arg2825Lys; replaces arginine 2825 with lysine.
Molecular consequence: missense variant.
Genome position (GRCh38, 1-based): chr8:99,818,741, G>A. VCF-style: chr8-99818741-G-A. GRCh37 (hg19) VCF-style: chr8-100830969-G-A.
Other names: c.8549G>A, p.Arg2850Lys (NM_017890.5); short protein forms R2825K, R2850K.
Identifiers: ClinVar variation 2629242 (VCV002629242.2), dbSNP rs751906148, ClinGen allele CA4824484.
Genomic context (GRCh38, chr8:99,818,741, plus strand): 5'-ATGAAAGTTGTTCTATCCTTTTATTTTTATAGATTGTGTTCAGCCCTCTTTTTATCATGA[G>A]GAGTCATCTTCCAGACCCCATTATCATACATTTGGAGAAAAGGAGTCTGGGATTGAGTGA-3'
Protein context (NP_689777.3, residues 2815-2835): MIVFSPLFIM[Arg2825Lys]SHLPDPIIIH